The following is an entry in ClinVar:

NM_001378457.1(DMXL2):c.8797A>C (p.Lys2933Gln)

Genes: DMXL2 (Dmx like 2; minus strand), LOC126862131 (MED14-independent group 3 enhancer GRCh37_chr15:51741640-51742839; plus strand). Cytogenetic location: 15q21.2.
Variant type: single nucleotide variant.
Coding change: c.8797A>C on transcript NM_001378457.1 (MANE Select); coding-DNA position 8797, A replaced by C.
Protein change: p.Lys2933Gln; replaces lysine 2933 with glutamine.
Molecular consequence: missense variant. On other transcripts: non-coding transcript variant (2).
Genome position (GRCh38, 1-based): chr15:51,450,299, T>G on the plus strand (A>C on the coding strand, the complement: DMXL2 is on the minus strand). VCF-style: chr15-51450299-T-G. GRCh37 (hg19) VCF-style: chr15-51742496-T-G.
Other names: c.8734A>C, p.Lys2912Gln (NM_001174116.3); c.6823A>C, p.Lys2275Gln (NM_001174117.3); c.8794A>C, p.Lys2932Gln (NM_001378458.1); c.8509A>C, p.Lys2837Gln (NM_001378459.1); c.6712A>C, p.Lys2238Gln (NM_001378460.1); c.8731A>C, p.Lys2911Gln (NM_015263.5); short protein forms K2238Q, K2275Q, K2837Q, K2911Q, K2912Q, K2932Q, K2933Q.
Identifiers: ClinVar variation 1694747 (VCV001694747.31), dbSNP rs767120320, ClinGen allele CA392429945.

ClinVar aggregate classification (germline): Uncertain significance (1 of 4 stars; one submission).

Submission:

CeGaT Center for Human Genetics Tuebingen
Classification: Uncertain significance. Last evaluated: 2022-05-01. Review status: criteria provided, single submitter. Criteria: CeGaT Center For Human Genetics Tuebingen Variant Classification Criteria Version 2. Collection method: clinical testing. Allele origin: germline. Affected: yes. Observed: 1 variant allele.
Comment: DMXL2: PM2, BP4